The following is an entry in ClinVar:

NM_000256.3(MYBPC3):c.1091-24_1091-8del

Gene: MYBPC3 (myosin binding protein C3; minus strand). Cytogenetic location: 11p11.2.
Variant type: Deletion.
Coding change: c.1091-24_1091-8del on transcript NM_000256.3 (MANE Select); 24 bases into the intron before coding-DNA position 1091 through 8 bases into the intron before coding-DNA position 1091, 17 bases deleted (CCGGGGCTGAGGGGTGG).
Molecular consequence: intron variant.
Genome position (GRCh38, 1-based): chr11:47,343,632-47,343,648, CCACCCCTCAGCCCCGG deleted on the plus strand (CCGGGGCTGAGGGGTGG on the coding strand, the reverse complement: MYBPC3 is on the minus strand); deleting any 17 consecutive bases within chr11:47,343,632-47,343,655 gives the same sequence; the c. name uses the placement nearest the transcript's 3' end. VCF-style (leftmost placement, unchanged base first): chr11-47343631-ACCACCCCTCAGCCCCGG-A. GRCh37 (hg19) VCF-style: chr11-47365182-ACCACCCCTCAGCCCCGG-A.
Identifiers: ClinVar variation 3653971 (VCV003653971.2).
Genomic context (GRCh38, chr11:47,343,631, plus strand): 5'-GGATCTTGTGGCCTTTGCTCACCTGGTAGGCCGGCTCCAGCTTCTTCTGAAAGGCTGAGC[ACCACCCCTCAGCCCCGG>A]CCACCCCACCGCCCGCACCCTGCTCCCCCAGGCCAAGCTACTGTGGCTGTGGCTGGGGCC-3'

ClinVar aggregate classification (germline): Uncertain significance (1 of 4 stars; one submission).

Conditions:
Hypertrophic cardiomyopathy. Also called: HYPERTROPHIC MYOCARDIOPATHY. Identifiers: Orphanet 217569, MedGen C0007194, MeSH D002312, MONDO:0005045, HP:0001639.

Submission:

Labcorp Genetics (formerly Invitae), Labcorp
Classification: Uncertain significance for Hypertrophic cardiomyopathy. Last evaluated: 2024-05-27. Review status: criteria provided, single submitter. Criteria: Invitae Variant Classification Sherloc (09022015). Collection method: clinical testing. Allele origin: germline.
Comment: This sequence change falls in intron 12 of the MYBPC3 gene. It does not directly change the encoded amino acid sequence of the MYBPC3 protein. This variant is not present in population databases (gnomAD no frequency). This variant has not been reported in the literature in individuals affected with MYBPC3-related conditions. Experimental studies and prediction algorithms are not available or were not evaluated, and the effect of this variant on mRNA splicing is currently unknown. In summary, the available evidence is currently insufficient to determine the role of this variant in disease. Therefore, it has been classified as a Variant of Uncertain Significance.